The following is an entry in ClinVar:

NM_016032.4(ZDHHC9):c.1045C>T (p.Pro349Ser)

Gene: ZDHHC9 (zDHHC palmitoyltransferase 9; minus strand). Cytogenetic location: Xq26.1.
Variant type: single nucleotide variant.
Coding change: c.1045C>T on transcript NM_016032.4 (MANE Select); coding-DNA position 1045, C replaced by T.
Protein change: p.Pro349Ser; replaces proline 349 with serine.
Molecular consequence: missense variant.
Genome position (GRCh38, 1-based): chrX:129,806,420, G>A on the plus strand (C>T on the coding strand, the complement: ZDHHC9 is on the minus strand). VCF-style: chrX-129806420-G-A. GRCh37 (hg19) VCF-style: chrX-128940396-G-A.
Other names: c.1045C>T, p.Pro349Ser (NM_001008222.3); short protein forms P349S.
Identifiers: ClinVar variation 1187285 (VCV001187285.10), dbSNP rs755700206, ClinGen allele CA10513405.

ClinVar aggregate classification (germline): Conflicting classifications of pathogenicity. Review status: criteria provided, conflicting classifications (1 of 4 stars). 2 submissions from 2 submitters: Uncertain significance (1); Likely benign (1). Last evaluated 2025-10-05.

Conditions:
Intellectual developmental disorder, X-linked, syndromic, Raymond type. Also called: Syndromic X-linked intellectual disability Raymond type. Identifiers: MedGen C3275406, MONDO:0010427, OMIM 300799.

Allele frequency attached by ClinVar (database versions not stated): ExAC 0.00001; TOPMed 0.00001; gnomAD exomes 0.00001.

Submissions (2):

Labcorp Genetics (formerly Invitae), Labcorp
Classification: Uncertain significance for Intellectual developmental disorder, X-linked, syndromic, Raymond type. Last evaluated: 2025-10-05. Review status: criteria provided, single submitter. Criteria: Invitae Variant Classification Sherloc (09022015). Collection method: clinical testing. Allele origin: germline.
Comment: This sequence change replaces proline, which is neutral and non-polar, with serine, which is neutral and polar, at codon 349 of the ZDHHC9 protein (p.Pro349Ser). This variant is present in population databases (rs755700206, gnomAD 0.001%), including at least one homozygous and/or hemizygous individual. This variant has not been reported in the literature in individuals affected with ZDHHC9-related conditions. ClinVar contains an entry for this variant (Variation ID: 1187285). An algorithm developed to predict the effect of missense changes on protein structure and function outputs the following: PolyPhen-2: "Not Available". The serine amino acid residue is found in multiple mammalian species, which suggests that this missense change does not adversely affect protein function. In summary, the available evidence is currently insufficient to determine the role of this variant in disease. Therefore, it has been classified as a Variant of Uncertain Significance.

GeneDx
Classification: Likely benign. Last evaluated: 2019-11-19. Review status: criteria provided, single submitter. Criteria: GeneDx Variant Classification Process June 2021. Collection method: clinical testing. Allele origin: germline. Affected: yes.
Comment: In silico analysis, which includes protein predictors and evolutionary conservation, supports that this variant does not alter protein structure/function; Has not been previously published as pathogenic or benign to our knowledge